The following is an entry in ClinVar:

ClinVar aggregate classification (germline): Uncertain significance. Review status: criteria provided, multiple submitters, no conflicts (2 of 4 stars). 2 submissions from 2 submitters: Uncertain significance (2). Last evaluated 2025-06-19.

Conditions:
Cohen syndrome (COH1). Also called: Cutis verticis gyrata, retinitis pigmentosa, and sensorineural deafness; PEPPER SYNDROME. Identifiers: Orphanet 193, MedGen C0265223, MONDO:0008999, OMIM 216550.
Inborn genetic diseases. Identifiers: MedGen C0950123, MeSH D030342.

Allele frequency attached by ClinVar (database versions not stated): gnomAD 0.00001; TOPMed 0.00001; ExAC 0.00002.
gnomAD v4.1: 42 of 1,613,902 alleles (0.0026%); highest among the groups gnomAD compares: Admixed American, 0.0067%; no homozygotes.

Submissions (2):

Ambry Genetics
Classification: Uncertain significance for Inborn genetic diseases. Last evaluated: 2025-06-19. Review status: criteria provided, single submitter. Criteria: Ambry Variant Classification Scheme 2023. Collection method: clinical testing. Allele origin: germline.

Labcorp Genetics (formerly Invitae), Labcorp
Classification: Uncertain significance for Cohen syndrome. Last evaluated: 2022-03-22. Review status: criteria provided, single submitter. Criteria: Invitae Variant Classification Sherloc (09022015). Collection method: clinical testing. Allele origin: germline.
Comment: This sequence change replaces arginine, which is basic and polar, with cysteine, which is neutral and slightly polar, at codon 1821 of the VPS13B protein (p.Arg1821Cys). This variant is present in population databases (rs759001395, gnomAD 0.009%). This variant has not been reported in the literature in individuals affected with VPS13B-related conditions. Algorithms developed to predict the effect of missense changes on protein structure and function are either unavailable or do not agree on the potential impact of this missense change (SIFT: "Not Available"; PolyPhen-2: "Probably Damaging"; Align-GVGD: "Not Available"). In summary, the available evidence is currently insufficient to determine the role of this variant in disease. Therefore, it has been classified as a Variant of Uncertain Significance.

NM_152564.5(VPS13B):c.5386C>T (p.Arg1796Cys)

Gene: VPS13B (vacuolar protein sorting 13 homolog B; plus strand). Cytogenetic location: 8q22.2.
Variant type: single nucleotide variant.
Coding change: c.5386C>T on transcript NM_152564.5 (MANE Select); coding-DNA position 5386, C replaced by T.
Protein change: p.Arg1796Cys; replaces arginine 1796 with cysteine.
Molecular consequence: missense variant.
Genome position (GRCh38, 1-based): chr8:99,641,976, C>T. VCF-style: chr8-99641976-C-T. GRCh37 (hg19) VCF-style: chr8-100654204-C-T.
Other names: c.5461C>T, p.Arg1821Cys (NM_017890.5); c.5461C>T (NM_017890.3); short protein forms R1796C, R1821C.
Identifiers: ClinVar variation 2202073 (VCV002202073.2), dbSNP rs759001395, ClinGen allele CA4823815.
Genomic context (GRCh38, chr8:99,641,976, plus strand): 5'-GTTAAAATCAGAATAGTGCAAATAGAGCAGCACAGTGGTGCCAGTCAGCATCGCATTGCC[C>T]GTCCCTCACGCCAGTCATCAATTGTAAAAAATCTAAATTTTATTCCCTTTGACATATTTA-3'
Protein context (NP_689777.3, residues 1786-1806): HSGASQHRIA[Arg1796Cys]PSRQSSIVKN